The following is an entry in ClinVar:

NM_012079.6(DGAT1):c.1006A>G (p.Ile336Val)

Genes: DGAT1 (diacylglycerol O-acyltransferase 1; minus strand), LOC130001383 (ATAC-STARR-seq lymphoblastoid active region 28093; plus strand). Cytogenetic location: 8q24.3.
Variant type: single nucleotide variant.
Coding change: c.1006A>G on transcript NM_012079.6 (MANE Select); coding-DNA position 1006, A replaced by G.
Protein change: p.Ile336Val; replaces isoleucine 336 with valine.
Molecular consequence: missense variant.
Genome position (GRCh38, 1-based): chr8:144,317,421, T>C on the plus strand (A>G on the coding strand, the complement: DGAT1 is on the minus strand). VCF-style: chr8-144317421-T-C. GRCh37 (hg19) VCF-style: chr8-145541084-T-C.
Other names: short protein forms I336V.
Identifiers: ClinVar variation 2191221 (VCV002191221.2), dbSNP rs782090603, ClinGen allele CA4936708.
Genomic context (GRCh38, chr8:144,317,421, plus strand): 5'-CAAACTGCATGAGCTCAGCCACGGCATTCAGGCAGGAGTGGAAGAGCCAGTAGAAGAAGA[T>C]GAGCCAGATGAGGTGATTGGGGACCTGGCAGGGAGGTGGGGGTGGGCACCAAGTTCTAGA-3'
Protein context (NP_036211.2, residues 326-346): LAVPNHLIWL[Ile336Val]FFYWLFHSCL

ClinVar aggregate classification (germline): Uncertain significance (1 of 4 stars; one submission).

Allele frequency attached by ClinVar (database versions not stated): ExAC 0.00002; TOPMed 0.00009.

Submission:

Labcorp Genetics (formerly Invitae), Labcorp
Classification: Uncertain significance. Last evaluated: 2024-03-17. Review status: criteria provided, single submitter. Criteria: Invitae Variant Classification Sherloc (09022015). Collection method: clinical testing. Allele origin: germline.
Comment: This sequence change replaces isoleucine, which is neutral and non-polar, with valine, which is neutral and non-polar, at codon 336 of the DGAT1 protein (p.Ile336Val). This variant is present in population databases (rs782090603, gnomAD 0.02%). This variant has not been reported in the literature in individuals affected with DGAT1-related conditions. ClinVar contains an entry for this variant (Variation ID: 2191221). Advanced modeling of protein sequence and biophysical properties (such as structural, functional, and spatial information, amino acid conservation, physicochemical variation, residue mobility, and thermodynamic stability) performed at Invitae indicates that this missense variant is not expected to disrupt DGAT1 protein function with a negative predictive value of 80%. In summary, the available evidence is currently insufficient to determine the role of this variant in disease. Therefore, it has been classified as a Variant of Uncertain Significance.